The following is an entry in ClinVar:

NM_020794.2:c.3616A>G

Gene: LRRC7 (leucine rich repeat containing 7; plus strand).
Variant type: single nucleotide variant.
Identifiers: ClinVar variation 4278877 (VCV004278877.1).

ClinVar aggregate classification (germline): Uncertain significance (1 of 4 stars; one submission).

Submission:

GeneDx
Classification: Uncertain significance. Last evaluated: 2025-04-01. Review status: criteria provided, single submitter. Criteria: GeneDx Variant Classification Process June 2021. Collection method: clinical testing. Allele origin: germline. Affected: yes.
Comment: Not observed at significant frequency in large population cohorts (gnomAD); In silico analysis supports that this missense variant has a deleterious effect on protein structure/function; Has not been previously published as pathogenic or benign to our knowledge